The following is an entry in ClinVar:

ClinVar aggregate classification (germline): Uncertain significance (1 of 4 stars; one submission).

Conditions:
Hereditary cancer-predisposing syndrome. Also called: Tumor predisposition; Hereditary Cancer Syndrome; Neoplastic Syndromes, Hereditary; Hereditary neoplastic syndrome. Identifiers: Orphanet 140162, MedGen C0027672, MeSH D009386, MONDO:0015356.

Submission:

Ambry Genetics
Classification: Uncertain significance for Hereditary cancer-predisposing syndrome. Last evaluated: 2020-09-16. Review status: criteria provided, single submitter. Criteria: Ambry Variant Classification Scheme 2023. Collection method: clinical testing. Allele origin: germline.
Comment: The p.S851L variant (also known as c.2552C>T), located in coding exon 16 of the CDH1 gene, results from a C to T substitution at nucleotide position 2552. The serine at codon 851 is replaced by leucine, an amino acid with dissimilar properties. This amino acid position is well conserved in available vertebrate species. In addition, the in silico prediction for this alteration is inconclusive. Since supporting evidence is limited at this time, the clinical significance of this alteration remains unclear.

NM_004360.5(CDH1):c.2552C>T (p.Ser851Leu)

Gene: CDH1 (cadherin 1; plus strand). Cytogenetic location: 16q22.1.
Variant type: single nucleotide variant.
Coding change: c.2552C>T on transcript NM_004360.5 (MANE Select); coding-DNA position 2552, C replaced by T.
Protein change: p.Ser851Leu; replaces serine 851 with leucine.
Molecular consequence: missense variant.
Genome position (GRCh38, 1-based): chr16:68,833,402, C>T. VCF-style: chr16-68833402-C-T. GRCh37 (hg19) VCF-style: chr16-68867305-C-T.
Other names: c.2369C>T, p.Ser790Leu (NM_001317184.2); c.1004C>T, p.Ser335Leu (NM_001317185.2); c.587C>T, p.Ser196Leu (NM_001317186.2); short protein forms S790L, S851L, S335L, S196L.
Identifiers: ClinVar variation 1792967 (VCV001792967.2), dbSNP rs2543965209, ClinGen allele CA396472415.
Genomic context (GRCh38, chr16:68,833,402, plus strand): 5'-TCGTGTTTGACTATGAAGGAAGCGGTTCCGAAGCTGCTAGTCTGAGCTCCCTGAACTCCT[C>T]AGAGTCAGACAAAGACCAGGACTATGACTACTTGAACGAATGGGGCAATCGCTTCAAGAA-3'
Protein context (NP_004351.1, residues 841-861): EAASLSSLNS[Ser851Leu]ESDKDQDYDY